The following is an entry in ClinVar:

NM_001273.5(CHD4):c.5722-7T>C

Genes: CHD4 (chromodomain helicase DNA binding protein 4; minus strand), CHD4-AS1 (CHD4 antisense RNA 1; plus strand). Cytogenetic location: 12p13.31.
Variant type: single nucleotide variant.
Coding change: c.5722-7T>C on transcript NM_001273.5 (MANE Select); 7 bases into the intron before coding-DNA position 5722, T replaced by C.
Molecular consequence: intron variant.
Genome position (GRCh38, 1-based): chr12:6,570,700, A>G on the plus strand (T>C on the coding strand, the complement: CHD4 is on the minus strand). VCF-style: chr12-6570700-A-G. GRCh37 (hg19) VCF-style: chr12-6679866-A-G.
Other names: c.5722-7T>C (NM_001273.3); c.5692-7T>C (NM_001363606.2); c.5701-7T>C (NM_001297553.2).
Identifiers: ClinVar variation 1610854 (VCV001610854.10), dbSNP rs573952463, ClinGen allele CA6411134.
Genomic context (GRCh38, chr12:6,570,700, plus strand): 5'-ACTGCTCAGCGGTGGAGGTGGTATCAGTCTGCATCTTCACTGCTGCTGGGCTACCTAGAG[A>G]AGGAGACCCGAGGAGTCAGAATTCCAGATGATAGGAATCCACCCAATCTCAAGGGAATTC-3'

ClinVar aggregate classification (germline): Likely benign. Review status: criteria provided, multiple submitters, no conflicts (2 of 4 stars). 3 submissions from 3 submitters: Likely benign (3). Last evaluated 2024-11-25.

Conditions:
CHD4-related disorder. Also called: CHD4-related condition.

Allele frequency attached by ClinVar (database versions not stated): gnomAD exomes 0.00003; ExAC 0.00004; gnomAD 0.00011; TOPMed 0.00014; 1000 Genomes Project 30x 0.00016; 1000 Genomes Project 0.00020.
gnomAD v4.1: 63 of 1,614,092 alleles (0.0039%); highest among the groups gnomAD compares: Middle Eastern, 0.099%; 1 homozygote.

Submissions (3):

PreventionGenetics, part of Exact Sciences
Classification: Likely benign for CHD4-related condition. Last evaluated: 2024-11-25. Review status: criteria provided, single submitter. Criteria: ACMG Guidelines, 2015. Collection method: clinical testing. Allele origin: germline.
Comment: This variant is classified as likely benign based on ACMG/AMP sequence variant interpretation guidelines (Richards et al. 2015 PMID: 25741868, with internal and published modifications).

Blueprint Genetics
Classification: Likely benign. Last evaluated: 2024-08-08. Review status: criteria provided, single submitter. Criteria: ACMG Guidelines, 2015. Collection method: clinical testing. Allele origin: germline.

Labcorp Genetics (formerly Invitae), Labcorp
Classification: Likely benign. Last evaluated: 2022-07-19. Review status: criteria provided, single submitter. Criteria: Invitae Variant Classification Sherloc (09022015). Collection method: clinical testing. Allele origin: germline.